The following is an entry in ClinVar:

NM_015100.4(POGZ):c.2648A>G (p.Lys883Arg)

Gene: POGZ (pogo transposable element derived with ZNF domain; minus strand). Cytogenetic location: 1q21.3.
Variant type: single nucleotide variant.
Coding change: c.2648A>G on transcript NM_015100.4 (MANE Select); coding-DNA position 2648, A replaced by G.
Protein change: p.Lys883Arg; replaces lysine 883 with arginine.
Molecular consequence: missense variant.
Genome position (GRCh38, 1-based): chr1:151,406,387, T>C on the plus strand (A>G on the coding strand, the complement: POGZ is on the minus strand). VCF-style: chr1-151406387-T-C. GRCh37 (hg19) VCF-style: chr1-151378863-T-C.
Other names: c.2621A>G, p.Lys874Arg (NM_001194937.2); c.2462A>G, p.Lys821Arg (NM_001194938.2); c.2669A>G, p.Lys890Arg (NM_001410860.1); c.2363A>G, p.Lys788Arg (NM_145796.4); c.2489A>G, p.Lys830Arg (NM_207171.2); short protein forms K830R, K883R, K821R, K788R, K874R, K890R.
Identifiers: ClinVar variation 2283148 (VCV002283148.8), dbSNP rs768449375, ClinGen allele CA1091087.

ClinVar aggregate classification (germline): Uncertain significance. Review status: criteria provided, multiple submitters, no conflicts (2 of 4 stars). 2 submissions from 2 submitters: Uncertain significance (2). Last evaluated 2025-10-01.

Conditions:
Inborn genetic diseases. Identifiers: MedGen C0950123, MeSH D030342.

Allele frequency attached by ClinVar (database versions not stated): gnomAD exomes below 0.00001.
gnomAD v4.1: 2 of 1,578,464 alleles (0.00013%); highest among the groups gnomAD compares: South Asian, 0.0012%; no homozygotes.

Submissions (2):

CeGaT Center for Human Genetics Tuebingen
Classification: Uncertain significance. Last evaluated: 2025-10-01. Review status: criteria provided, single submitter. Criteria: CeGaT Center For Human Genetics Tuebingen Variant Classification Criteria Version 2. Collection method: clinical testing. Allele origin: germline. Affected: yes. Observed: 1 variant allele.
Comment: POGZ: PM2:Supporting, BP4

Ambry Genetics
Classification: Uncertain significance for Inborn genetic diseases. Last evaluated: 2022-04-12. Review status: criteria provided, single submitter. Criteria: Ambry Variant Classification Scheme 2023. Collection method: clinical testing. Allele origin: germline.